The following is an entry in ClinVar:

NM_001291303.3(FAT4):c.2824A>G (p.Ile942Val)

Gene: FAT4 (FAT atypical cadherin 4; plus strand). Cytogenetic location: 4q28.1.
Variant type: single nucleotide variant.
Coding change: c.2824A>G on transcript NM_001291303.3 (MANE Select); coding-DNA position 2824, A replaced by G.
Protein change: p.Ile942Val; replaces isoleucine 942 with valine.
Molecular consequence: missense variant.
Genome position (GRCh38, 1-based): chr4:125,319,235, A>G. VCF-style: chr4-125319235-A-G. GRCh37 (hg19) VCF-style: chr4-126240390-A-G.
Other names: c.2824A>G (NM_024582.4, NM_001291303.1, NM_024582.5); c.2824A>G, p.Ile942Val (NM_001291285.3, NM_024582.6); short protein forms I942V.
Identifiers: ClinVar variation 1365452 (VCV001365452.34), dbSNP rs368138514, ClinGen allele CA3072211.

ClinVar aggregate classification (germline): Conflicting classifications of pathogenicity. Review status: criteria provided, conflicting classifications (1 of 4 stars). 8 submissions from 8 submitters: Uncertain significance (7); Likely benign (1). Last evaluated 2026-08-25.

Conditions:
Hennekam lymphangiectasia-lymphedema syndrome 2 (HKLLS2). Identifiers: Orphanet 2136, MedGen C4014939, MONDO:0014454, OMIM 616006.
Van Maldergem syndrome 2 (VMLDS2). Identifiers: Orphanet 314679, MedGen C3809875, MONDO:0014242, OMIM 615546.
Inborn genetic diseases. Identifiers: MedGen C0950123, MeSH D030342.
FAT4-related disorder. Also called: FAT4-related condition.

Allele frequency attached by ClinVar (database versions not stated): gnomAD 0.00001; TOPMed 0.00003; ESP Exome Variant Server 0.00008.
gnomAD v4.1: 50 of 1,614,052 alleles (0.0031%); highest among the groups gnomAD compares: African/African-American, 0.047%; no homozygotes.

Submissions (8):

PreventionGenetics, part of Exact Sciences
Classification: Uncertain significance for FAT4-related condition. Last evaluated: 2026-08-25. Review status: criteria provided, single submitter. Criteria: ACMG Guidelines, 2015. Collection method: clinical testing. Allele origin: germline.
Comment: The FAT4 c.2824A>G variant is predicted to result in the amino acid substitution p.Ile942Val. To our knowledge, this variant has not been reported in the literature. This variant is reported in 0.0065% of alleles in individuals of African descent in gnomAD. At this time, the clinical significance of this variant is uncertain due to the absence of conclusive functional and genetic evidence.

Clinical Genomics Laboratory, Washington University in St. Louis
Classification: Uncertain significance for Van Maldergem syndrome 2; Hennekam lymphangiectasia-lymphedema syndrome 2. Last evaluated: 2026-03-29. Review status: criteria provided, single submitter. Criteria: ACMG Guidelines, 2015. Collection method: clinical testing. Allele origin: germline.
Comment: A FAT4 c.2824A>G (p.Ile942Val) variant was identified at a near heterozygous allelic fraction of 49.3%, a frequency which may be consistent with it being of germline origin. The FAT4 c.2824A>G (p.Ile942Val) variant, to our knowledge, has not been reported in the medical literature but has been reported in the ClinVar database as a germline variant of uncertain significance by five submitters and likely benign by one submitter (ClinVar ID: 1365452). This variant is only observed in 50/1,614,052 alleles in the general population (gnomAD v4.1.0), indicating it is not a common variant. Computational predictors suggest that the variant does not impact FAT4 function. Due to limited information, and based on ACMG/AMP guidelines for variant interpretation (Richards S et al., PMID: 25741868), the clinical significance of this variant is uncertain at this time.

Ambry Genetics
Classification: Uncertain significance for Inborn genetic diseases. Last evaluated: 2025-09-10. Review status: criteria provided, single submitter. Criteria: Ambry Variant Classification Scheme 2023. Collection method: clinical testing. Allele origin: germline.

CeGaT Center for Human Genetics Tuebingen
Classification: Uncertain significance. Last evaluated: 2024-11-01. Review status: criteria provided, single submitter. Criteria: CeGaT Center For Human Genetics Tuebingen Variant Classification Criteria Version 2. Collection method: clinical testing. Allele origin: germline. Affected: yes. Observed: 3 variant alleles.
Comment: FAT4: PM2, BP4

3billion
Classification: Likely benign for Van Maldergem syndrome 2; Hennekam lymphangiectasia-lymphedema syndrome 2. Last evaluated: 2024-09-20. Review status: criteria provided, single submitter. Criteria: ACMG Guidelines, 2015. Collection method: clinical testing. Allele origin: germline. Affected: no.
Comment: The homozygous variant was found in patients diagnosed with another variant in a different gene, with no symptoms related to the gene containing the homozygous variant.

Fulgent Genetics
Classification: Uncertain significance for Van Maldergem syndrome 2; Hennekam lymphangiectasia-lymphedema syndrome 2. Last evaluated: 2024-06-18. Review status: criteria provided, single submitter. Criteria: ACMG Guidelines, 2015. Collection method: clinical testing. Allele origin: germline.

Labcorp Genetics (formerly Invitae), Labcorp
Classification: Uncertain significance. Last evaluated: 2023-12-13. Review status: criteria provided, single submitter. Criteria: Invitae Variant Classification Sherloc (09022015). Collection method: clinical testing. Allele origin: germline.
Comment: This sequence change replaces isoleucine, which is neutral and non-polar, with valine, which is neutral and non-polar, at codon 942 of the FAT4 protein (p.Ile942Val). This variant is present in population databases (rs368138514, gnomAD 0.007%). This variant has not been reported in the literature in individuals affected with FAT4-related conditions. ClinVar contains an entry for this variant (Variation ID: 1365452). Advanced modeling of protein sequence and biophysical properties (such as structural, functional, and spatial information, amino acid conservation, physicochemical variation, residue mobility, and thermodynamic stability) performed at Invitae indicates that this missense variant is not expected to disrupt FAT4 protein function with a negative predictive value of 80%. In summary, the available evidence is currently insufficient to determine the role of this variant in disease. Therefore, it has been classified as a Variant of Uncertain Significance.

Breakthrough Genomics
Classification: Uncertain significance. Review status: criteria provided, single submitter. Criteria: ACMG Guidelines, 2015. Collection method: not provided. Allele origin: germline. Inheritance: Autosomal recessive inheritance. Affected: yes.

Literature cited by the submitters: uncertain (cited by Clinical Genomics Laboratory, Washington University in St. Louis).